The following is an entry in ClinVar:

NM_000492.4(CFTR):c.2299C>T (p.Gln767Ter)

Gene: CFTR (CF transmembrane conductance regulator; plus strand). Cytogenetic location: 7q31.2.
Variant type: single nucleotide variant.
Coding change: c.2299C>T on transcript NM_000492.4 (MANE Select); coding-DNA position 2299, C replaced by T.
Protein change: p.Gln767Ter; replaces glutamine 767 with a stop codon.
Molecular consequence: nonsense.
Genome position (GRCh38, 1-based): chr7:117,592,466, C>T. VCF-style: chr7-117592466-C-T. GRCh37 (hg19) VCF-style: chr7-117232520-C-T.
Other names: short protein forms Q767*.
Identifiers: ClinVar variation 818145 (VCV000818145.2), dbSNP rs1584812646, ClinGen allele CA368980912.

ClinVar aggregate classification (germline): Pathogenic/Likely pathogenic. Review status: criteria provided, multiple submitters, no conflicts (2 of 4 stars). 2 submissions from 2 submitters: Pathogenic (1); Likely pathogenic (1). Last evaluated 2025-03-11.

Conditions:
CFTR-related disorder (CFTR-RD). Also called: CFTR-related disorders; CFTR-related condition. Identifiers: MedGen C5924204, MONDO:7770004.
Cystic fibrosis (CF). Also called: MUCOVISCIDOSIS. Identifiers: Orphanet 586, MedGen C0010674, MONDO:0009061, OMIM 219700. Disease mechanism: loss of function.

Submissions (2):

Natera, Inc.
Classification: Likely pathogenic for CFTR-related disorders. Last evaluated: 2025-03-11. Review status: criteria provided, single submitter. Criteria: Natera Variant Classification Schema (03/2026). Collection method: clinical testing. Allele origin: germline.
Comment: The c.2299C>T variant in CFTR is a nonsense variant predicted to introduce a stop codon at amino acid 767. This variant is expected to result in nonsense mediated decay, truncation, or a dysfunctional protein product. This variant is rare in the general population with a frequency below the threshold expected for the associated phenotype(s). Given the available evidence, this variant is classified as Likely Pathogenic.

CFTR-France
Classification: Pathogenic for cystic fibrosis. Last evaluated: 2018-01-29. Review status: criteria provided, single submitter. Criteria: Claustres M et al. (Hum Mutat 2017). Collection method: curation. Allele origin: germline. Affected: yes.